The following is an entry in ClinVar:

NM_080473.5(GATA5):c.523+6T>C

Gene: GATA5 (GATA binding protein 5; minus strand). Cytogenetic location: 20q13.33.
Variant type: single nucleotide variant.
Coding change: c.523+6T>C on transcript NM_080473.5 (MANE Select); 6 bases into the intron after coding-DNA position 523, T replaced by C.
Molecular consequence: intron variant.
Genome position (GRCh38, 1-based): chr20:62,474,993, A>G on the plus strand (T>C on the coding strand, the complement: GATA5 is on the minus strand). VCF-style: chr20-62474993-A-G. GRCh37 (hg19) VCF-style: chr20-61050049-A-G.
Identifiers: ClinVar variation 1469732 (VCV001469732.6), dbSNP rs1435724721, ClinGen allele CA636611343.

ClinVar aggregate classification (germline): Uncertain significance (1 of 4 stars; one submission).

Allele frequency attached by ClinVar (database versions not stated): TOPMed 0.00002; gnomAD 0.00003; gnomAD exomes 0.00003.

Submission:

Labcorp Genetics (formerly Invitae), Labcorp
Classification: Uncertain significance. Last evaluated: 2024-04-09. Review status: criteria provided, single submitter. Criteria: Invitae Variant Classification Sherloc (09022015). Collection method: clinical testing. Allele origin: germline.
Comment: This sequence change falls in intron 2 of the GATA5 gene. It does not directly change the encoded amino acid sequence of the GATA5 protein. It affects a nucleotide within the consensus splice site. This variant is present in population databases (no rsID available, gnomAD 0.005%). This variant has not been reported in the literature in individuals affected with GATA5-related conditions. ClinVar contains an entry for this variant (Variation ID: 1469732). Variants that disrupt the consensus splice site are a relatively common cause of aberrant splicing (PMID: 17576681, 9536098). Algorithms developed to predict the effect of sequence changes on RNA splicing suggest that this variant is not likely to affect RNA splicing. In summary, the available evidence is currently insufficient to determine the role of this variant in disease. Therefore, it has been classified as a Variant of Uncertain Significance.

Literature cited by the submitters: PubMed 17576681; PubMed 9536098.